The following is an entry in ClinVar:

NM_000245.4(MET):c.2583+1G>A

Gene: MET (MET proto-oncogene, receptor tyrosine kinase; plus strand). Cytogenetic location: 7q31.2.
Variant type: single nucleotide variant.
Coding change: c.2583+1G>A on transcript NM_000245.4 (MANE Select); the canonical splice donor site of the intron after coding-DNA position 2583, G replaced by A.
Molecular consequence: splice donor variant.
Genome position (GRCh38, 1-based): chr7:116,763,269, G>A. VCF-style: chr7-116763269-G-A. GRCh37 (hg19) VCF-style: chr7-116403323-G-A.
Other names: c.2637+1G>A (NM_001127500.3); c.1293+1G>A (NM_001324402.2); c.2583+1G>A (NM_001324401.3).
Identifiers: ClinVar variation 1794123 (VCV001794123.3), dbSNP rs2116957547, ClinGen allele CA368983732.

ClinVar aggregate classification (germline): Uncertain significance (1 of 4 stars; one submission).

Conditions:
Hereditary cancer-predisposing syndrome. Also called: Tumor predisposition; Hereditary Cancer Syndrome; Neoplastic Syndromes, Hereditary; Hereditary neoplastic syndrome. Identifiers: Orphanet 140162, MedGen C0027672, MeSH D009386, MONDO:0015356.

Submission:

Ambry Genetics
Classification: Uncertain significance for Hereditary cancer-predisposing syndrome. Last evaluated: 2025-11-18. Review status: criteria provided, single submitter. Criteria: Ambry Variant Classification Scheme 2023. Collection method: clinical testing. Allele origin: germline.
Comment: The c.2637+1G>A intronic variant results from a G to A substitution one nucleotide after coding exon 10 of the MET gene. In silico splice site analysis predicts that this alteration will weaken the native splice donor site. Alterations that disrupt the canonical splice site are expected to cause aberrant splicing, resulting in an abnormal protein or a transcript that is subject to nonsense-mediated mRNA decay. However, loss of function of MET has not been established as a mechanism of disease. Based on the available evidence, the clinical significance of this variant remains unclear.